The following is an entry in ClinVar:

NM_000127.3(EXT1):c.1219C>T (p.Gln407Ter)

Gene: EXT1 (exostosin glycosyltransferase 1; minus strand). Cytogenetic location: 8q24.11.
Variant type: single nucleotide variant.
Coding change: c.1219C>T on transcript NM_000127.3 (MANE Select); coding-DNA position 1219, C replaced by T.
Protein change: p.Gln407Ter; replaces glutamine 407 with a stop codon.
Molecular consequence: nonsense.
Genome position (GRCh38, 1-based): chr8:117,830,295, G>A on the plus strand (C>T on the coding strand, the complement: EXT1 is on the minus strand). VCF-style: chr8-117830295-G-A. GRCh37 (hg19) VCF-style: chr8-118842534-G-A.
Other names: short protein forms Q407*.
Identifiers: ClinVar variation 864152 (VCV000864152.9), dbSNP rs1812077342, ClinGen allele CA371890441.

ClinVar aggregate classification (germline): Pathogenic (1 of 4 stars; one submission).

Conditions:
Multiple congenital exostosis (EXT). Also called: MULTIPLE CARTILAGINOUS EXOSTOSES; Hereditary multiple osteochondromas; Multiple osteochondromas; Multiple exostoses; Hereditary multiple exostoses; Hereditary multiple exostosis. Identifiers: Orphanet 321, MedGen C0015306, MONDO:0005508, HP:0002762.

Submission:

Labcorp Genetics (formerly Invitae), Labcorp
Classification: Pathogenic for Multiple congenital exostosis. Last evaluated: 2019-02-11. Review status: criteria provided, single submitter. Criteria: Invitae Variant Classification Sherloc (09022015). Collection method: clinical testing. Allele origin: germline.
Comment: For these reasons, this variant has been classified as Pathogenic. Loss-of-function variants in EXT1 are known to be pathogenic (PMID: 10679937, 11391482, 19810120). This variant has been observed in several individuals affected with multiple osteochondromas (PMID:19810120, 25230886). This variant is not present in population databases (ExAC no frequency). This sequence change creates a premature translational stop signal (p.Gln407*) in the EXT1 gene. It is expected to result in an absent or disrupted protein product.

Literature cited by the submitters: PubMed 10679937; PubMed 11391482; PubMed 19810120; PubMed 25230886.